The following is an entry in ClinVar:

NM_138694.4(PKHD1):c.8860_8890dup (p.Ser2964delinsTyrProLysTyrThrAsnSerAlaTer)

Gene: PKHD1 (PKHD1 ciliary IPT domain containing fibrocystin/polyductin; minus strand). Cytogenetic location: 6p12.3.
Variant type: Duplication.
Coding change: c.8860_8890dup on transcript NM_138694.4 (MANE Select); coding-DNA positions 8860 to 8890, 31 bases duplicated.
Protein change: p.Ser2964delinsTyrProLysTyrThrAsnSerAlaTer.
Molecular consequence: nonsense.
Genome position (GRCh38, 1-based): chr6:51,753,261-51,753,291, 31 bases duplicated. GRCh37 (hg19): chr6:51,618,059-51,618,089.
Other names: c.8860_8890dup, p.Ser2964delinsTyrProLysTyrThrAsnSerAlaTer (NM_170724.3).
Identifiers: ClinVar variation 4059831 (VCV004059831.2).

ClinVar aggregate classification (germline): Likely pathogenic (1 of 4 stars; one submission).

Conditions:
Autosomal recessive polycystic kidney disease (ARPKD). Also called: AR polycystic kidney disease. Identifiers: Orphanet 731, Orphanet 8378, MedGen C0085548, MeSH D017044, MONDO:0009889.

Submission:

Natera, Inc.
Classification: Likely pathogenic for Autosomal recessive polycystic kidney disease. Last evaluated: 2025-05-20. Review status: criteria provided, single submitter. Criteria: Natera Variant Classification Schema (03/2026). Collection method: clinical testing. Allele origin: germline.
Comment: The c.8860_8890dup variant in PKHD1 is a frameshift variant predicted to shift the reading frame beginning at codon 2964 and leads to a stop codon 9 codons downstream. This variant is expected to result in nonsense mediated decay, truncation, or a dysfunctional protein product. This variant is rare in the general population with a frequency below the threshold expected for the associated phenotype(s). Given the available evidence, this variant is classified as Likely Pathogenic.